The following is an entry in ClinVar:

NM_031407.7(HUWE1):c.1415C>T (p.Pro472Leu)

Gene: HUWE1 (HECT, UBA and WWE domain containing E3 ubiquitin protein ligase 1; minus strand). Cytogenetic location: Xp11.22.
Variant type: single nucleotide variant.
Coding change: c.1415C>T on transcript NM_031407.7 (MANE Select); coding-DNA position 1415, C replaced by T.
Protein change: p.Pro472Leu; replaces proline 472 with leucine.
Molecular consequence: missense variant.
Genome position (GRCh38, 1-based): chrX:53,627,484, G>A on the plus strand (C>T on the coding strand, the complement: HUWE1 is on the minus strand). VCF-style: chrX-53627484-G-A. GRCh37 (hg19) VCF-style: chrX-53654435-G-A.
Other names: short protein forms P472L.
Identifiers: ClinVar variation 1699837 (VCV001699837.3), dbSNP rs2066587739, ClinGen allele CA413154222.

ClinVar aggregate classification (germline): Uncertain significance (1 of 4 stars; one submission).

Allele frequency attached by ClinVar (database versions not stated): gnomAD exomes below 0.00001.
gnomAD v4.1: 1 of 1,201,817 alleles (0.000083%); highest among the groups gnomAD compares: South Asian, 0.0018%; no homozygotes.

Submission:

GeneDx
Classification: Uncertain significance. Last evaluated: 2024-06-30. Review status: criteria provided, single submitter. Criteria: GeneDx Variant Classification Process June 2021. Collection method: clinical testing. Allele origin: germline.
Comment: Not observed at significant frequency in large population cohorts (gnomAD); In silico analysis supports that this missense variant has a deleterious effect on protein structure/function; Has not been previously published as pathogenic or benign to our knowledge